The following is an entry in ClinVar:

ClinVar aggregate classification (germline): Uncertain significance (1 of 4 stars; one submission).

Conditions:
Glycogen storage disease, type II (IOPD). Also called: CARDIOMEGALIA GLYCOGENICA DIFFUSA; Glucosidase acid-1,4-alpha deficiency; GLYCOGENOSIS, GENERALIZED, CARDIAC FORM; GSD II; ACID MALTASE DEFICIENCY, INFANTILE-ONSET; POMPE DISEASE, INFANTILE-ONSET. Identifiers: Orphanet 365, MedGen C0017921, MONDO:0009290, OMIM 232300.

Allele frequency attached by ClinVar (database versions not stated): gnomAD exomes below 0.00001.
gnomAD v4.1: 1 of 1,613,744 alleles (0.000062%); highest among the groups gnomAD compares: Non-Finnish European, 0.000085%; no homozygotes.

Submission:

Labcorp Genetics (formerly Invitae), Labcorp
Classification: Uncertain significance for Glycogen storage disease, type II. Last evaluated: 2021-08-27. Review status: criteria provided, single submitter. Criteria: Invitae Variant Classification Sherloc (09022015). Collection method: clinical testing. Allele origin: germline.
Comment: This sequence change replaces valine with alanine at codon 480 of the GAA protein (p.Val480Ala). The valine residue is highly conserved and there is a small physicochemical difference between valine and alanine. This variant is not present in population databases (ExAC no frequency). This variant has not been reported in the literature in individuals affected with GAA-related conditions. Algorithms developed to predict the effect of missense changes on protein structure and function are either unavailable or do not agree on the potential impact of this missense change (SIFT: "Tolerated"; PolyPhen-2: "Possibly Damaging"; Align-GVGD: "Class C0"). In summary, the available evidence is currently insufficient to determine the role of this variant in disease. Therefore, it has been classified as a Variant of Uncertain Significance.

NM_000152.5(GAA):c.1439T>C (p.Val480Ala)

Gene: GAA (alpha glucosidase; plus strand). Cytogenetic location: 17q25.3.
Variant type: single nucleotide variant.
Coding change: c.1439T>C on transcript NM_000152.5 (MANE Select); coding-DNA position 1439, T replaced by C.
Protein change: p.Val480Ala; replaces valine 480 with alanine.
Molecular consequence: missense variant.
Genome position (GRCh38, 1-based): chr17:80,110,728, T>C. VCF-style: chr17-80110728-T-C. GRCh37 (hg19) VCF-style: chr17-78084527-T-C.
Other names: c.1439T>C (LRG_673t1); c.1439T>C, p.Val480Ala (NM_001079803.3, NM_001079804.3); short protein forms V480A.
Identifiers: ClinVar variation 661512 (VCV000661512.6), dbSNP rs1224298513, ClinGen allele CA401366767.